The following is an entry in ClinVar:

NM_004484.4(GPC3):c.257G>T (p.Arg86Leu)

Gene: GPC3 (glypican 3; minus strand). Cytogenetic location: Xq26.2.
Variant type: single nucleotide variant.
Coding change: c.257G>T on transcript NM_004484.4 (MANE Select); coding-DNA position 257, G replaced by T.
Protein change: p.Arg86Leu; replaces arginine 86 with leucine.
Molecular consequence: missense variant. On other transcripts: intron variant (1).
Genome position (GRCh38, 1-based): chrX:133,953,130, C>A on the plus strand (G>T on the coding strand, the complement: GPC3 is on the minus strand). VCF-style: chrX-133953130-C-A. GRCh37 (hg19) VCF-style: chrX-133087157-C-A.
Other names: c.257G>T, p.Arg86Leu (NM_001164617.2, NM_001164618.2); c.175+32145G>T (NM_001164619.2); short protein forms R86L.
Identifiers: ClinVar variation 3024046 (VCV003024046.3), dbSNP rs1158430569, ClinGen allele CA414707444.

ClinVar aggregate classification (germline): Uncertain significance (1 of 4 stars; one submission).

Conditions:
Wilms tumor 1 (WT1). Also called: Wilms tumor, somatic. Identifiers: Orphanet 654, MedGen CN033288, MONDO:0008679, OMIM 194070.

Submission:

Labcorp Genetics (formerly Invitae), Labcorp
Classification: Uncertain significance for Wilms tumor 1. Last evaluated: 2023-08-27. Review status: criteria provided, single submitter. Criteria: Invitae Variant Classification Sherloc (09022015). Collection method: clinical testing. Allele origin: germline.
Comment: Advanced modeling of protein sequence and biophysical properties (such as structural, functional, and spatial information, amino acid conservation, physicochemical variation, residue mobility, and thermodynamic stability) has been performed at Invitae for this missense variant, however the output from this modeling did not meet the statistical confidence thresholds required to predict the impact of this variant on GPC3 protein function. This sequence change replaces arginine, which is basic and polar, with leucine, which is neutral and non-polar, at codon 86 of the GPC3 protein (p.Arg86Leu). This variant is not present in population databases (gnomAD no frequency). This variant has not been reported in the literature in individuals affected with GPC3-related conditions. In summary, the available evidence is currently insufficient to determine the role of this variant in disease. Therefore, it has been classified as a Variant of Uncertain Significance.